The following is an entry in ClinVar:

ClinVar aggregate classification (germline): Likely benign (1 of 4 stars; one submission).

Submission:

CeGaT Center for Human Genetics Tuebingen
Classification: Likely benign. Last evaluated: 2023-03-01. Review status: criteria provided, single submitter. Criteria: CeGaT Center For Human Genetics Tuebingen Variant Classification Criteria Version 2. Collection method: clinical testing. Allele origin: germline. Affected: yes. Observed: 1 variant allele.
Comment: RECQL4: PM2:Supporting, BP4, BP7

NM_004260.4(RECQL4):c.564T>C (p.Pro188=)

Gene: RECQL4 (RecQ like helicase 4; minus strand). Cytogenetic location: 8q24.3.
Variant type: single nucleotide variant.
Coding change: c.564T>C on transcript NM_004260.4 (MANE Select); coding-DNA position 564, T replaced by C.
Protein change: p.Pro188=; no amino-acid change (proline 188 retained).
Molecular consequence: synonymous variant. On other transcripts: 5 prime UTR variant (15), intron variant (3), non-coding transcript variant (3).
Genome position (GRCh38, 1-based): chr8:144,516,555, A>G on the plus strand (T>C on the coding strand, the complement: RECQL4 is on the minus strand). VCF-style: chr8-144516555-A-G. GRCh37 (hg19) VCF-style: chr8-145741939-A-G.
Other names: c.-508T>C (NM_001413023.1, NM_001413024.1, NM_001413035.1 and 5 more transcripts); c.435T>C, p.Pro145= (NM_001413025.1); c.-570T>C (NM_001413027.1, NM_001413030.1, NM_001413031.1 and 2 more transcripts); c.564T>C, p.Pro188= (NM_001413033.1, NM_001413036.1, NM_001413039.1 and 4 more transcripts); c.-412T>C (NM_001413034.1); c.-367+134T>C (NM_001413028.1); c.-777T>C (NM_001413043.1); c.355-142T>C (NM_001413029.1); and 1 more.
Identifiers: ClinVar variation 2658996 (VCV002658996.24), dbSNP rs2538096614, ClinGen allele CA463567722.
Genomic context (GRCh38, chr8:144,516,555, plus strand): 5'-GCAGGCTTTGGGGGCCCCCAGAAAATCTGGGACCTCACTGTGACATCGCTGTAACCAGCC[A>G]GGATCTAGGGAGCCCAGCCGCTGGCTCAGGGATGCCTGCAGATGCTGGAGCCGGCCTGGC-3'
Protein context (NP_004251.4, residues 178-198): SLSQRLGSLD[Pro188=]GWLQRCHSEV